The following is an entry in ClinVar:

ClinVar aggregate classification (germline): Uncertain significance. Review status: criteria provided, multiple submitters, no conflicts (2 of 4 stars). 2 submissions from 2 submitters: Uncertain significance (2). Last evaluated 2024-02-04.

Conditions:
Cardiovascular phenotype. Identifiers: MedGen CN230736.
Catecholaminergic polymorphic ventricular tachycardia 1. Also called: VENTRICULAR TACHYCARDIA, CATECHOLAMINERGIC POLYMORPHIC, 1, WITH OR WITHOUT ATRIAL DYSFUNCTION AND/OR DILATED CARDIOMYOPATHY; RYR2-Related Catecholaminergic Polymorphic Ventricular Tachycardia; VENTRICULAR TACHYCARDIA, STRESS-INDUCED POLYMORPHIC 1. Identifiers: Orphanet 3286, MedGen C1631597, MONDO:0011484, OMIM 604772.

Allele frequency attached by ClinVar (database versions not stated): gnomAD 0.00001; TOPMed 0.00001.

Submissions (2):

Ambry Genetics
Classification: Uncertain significance for Cardiovascular phenotype. Last evaluated: 2024-02-04. Review status: criteria provided, single submitter. Criteria: Ambry Variant Classification Scheme 2023. Collection method: clinical testing. Allele origin: germline.
Comment: The p.E176V variant (also known as c.527A>T), located in coding exon 6 of the TRDN gene, results from an A to T substitution at nucleotide position 527. The glutamic acid at codon 176 is replaced by valine, an amino acid with dissimilar properties. This amino acid position is conserved. In addition, this alteration is predicted to be tolerated by in silico analysis. Based on the available evidence, the clinical significance of this alteration remains unclear.

Labcorp Genetics (formerly Invitae), Labcorp
Classification: Uncertain significance for Catecholaminergic polymorphic ventricular tachycardia 1. Last evaluated: 2020-09-26. Review status: criteria provided, single submitter. Criteria: Invitae Variant Classification Sherloc (09022015). Collection method: clinical testing. Allele origin: germline.
Comment: In summary, the available evidence is currently insufficient to determine the role of this variant in disease. Therefore, it has been classified as a Variant of Uncertain Significance. Algorithms developed to predict the effect of missense changes on protein structure and function are either unavailable or do not agree on the potential impact of this missense change (SIFT: "Deleterious"; PolyPhen-2: "Not Available"; Align-GVGD: "Class C0"). This variant is not present in population databases (ExAC no frequency). This variant has not been reported in the literature in individuals with TRDN-related conditions. This sequence change replaces glutamic acid with valine at codon 176 of the TRDN protein (p.Glu176Val). The glutamic acid residue is highly conserved and there is a moderate physicochemical difference between glutamic acid and valine.

NM_006073.4(TRDN):c.527A>T (p.Glu176Val)

Gene: TRDN (triadin; minus strand). Cytogenetic location: 6q22.31.
Variant type: single nucleotide variant.
Coding change: c.527A>T on transcript NM_006073.4 (MANE Select); coding-DNA position 527, A replaced by T.
Protein change: p.Glu176Val; replaces glutamic acid 176 with valine.
Molecular consequence: missense variant.
Genome position (GRCh38, 1-based): chr6:123,516,164, T>A on the plus strand (A>T on the coding strand, the complement: TRDN is on the minus strand). VCF-style: chr6-123516164-T-A. GRCh37 (hg19) VCF-style: chr6-123837309-T-A.
Other names: c.527A>T (NM_006073.2); c.527A>T, p.Glu176Val (NM_001251987.2, NM_001256020.2, NM_001256021.2); short protein forms E176V.
Identifiers: ClinVar variation 1060360 (VCV001060360.11), dbSNP rs1174526334, ClinGen allele CA365568221.